The following is an entry in ClinVar:

ClinVar aggregate classification (germline): Conflicting classifications of pathogenicity. Review status: criteria provided, conflicting classifications (1 of 4 stars). 6 submissions from 6 submitters: Uncertain significance (3); Likely benign (3). Last evaluated 2026-01-28.

Conditions:
Hereditary cancer-predisposing syndrome. Also called: Hereditary Cancer Syndrome; Tumor predisposition; Hereditary neoplastic syndrome; Neoplastic Syndromes, Hereditary. Identifiers: Orphanet 140162, MedGen C0027672, MeSH D009386, MONDO:0015356.

Allele frequency attached by ClinVar (database versions not stated): ExAC 0.00003; gnomAD exomes 0.00004; TOPMed 0.00005; ESP Exome Variant Server 0.00008; gnomAD 0.00008 and 0.00009.
gnomAD v4.1: 71 of 1,611,518 alleles (0.0044%); highest among the groups gnomAD compares: Admixed American, 0.023%; no homozygotes.

Submissions (6):

Labcorp Genetics (formerly Invitae), Labcorp
Classification: Likely benign. Last evaluated: 2026-01-28. Review status: criteria provided, single submitter. Criteria: Invitae Variant Classification Sherloc (09022015). Collection method: clinical testing. Allele origin: germline.

Quest Diagnostics Nichols Institute San Juan Capistrano
Classification: Uncertain significance. Last evaluated: 2025-07-17. Review status: criteria provided, single submitter. Criteria: Quest Diagnostics criteria. Collection method: clinical testing. Allele origin: unknown.
Comment: The NTHL1 c.631C>T (p.Leu211=) synonymous variant has not been reported in individuals with NTHL1-related conditions in the published literature. The frequency of this variant in the general population (Genome Aggregation Database) is uninformative in the assessment of its pathogenicity. Analysis of this variant using software algorithms for the prediction of the effect of nucleotide changes on splicing yielded predictions that this variant does not affect NTHL1 mRNA splicing. Based on the available information, we are unable to determine the clinical significance of this variant.

Center for Genomic Medicine, Rigshospitalet, Copenhagen University Hospital
Classification: Likely benign. Last evaluated: 2025-03-04. Review status: criteria provided, single submitter. Criteria: ACMG Guidelines, 2015. Collection method: clinical testing. Allele origin: germline.

GeneDx
Classification: Uncertain significance. Last evaluated: 2021-09-16. Review status: criteria provided, single submitter. Criteria: GeneDx Variant Classification Process June 2021. Collection method: clinical testing. Allele origin: germline. Affected: yes.
Comment: In silico analysis supports that this variant does not alter splicing; Has not been previously published as pathogenic or benign to our knowledge

Ambry Genetics
Classification: Likely benign for Hereditary cancer-predisposing syndrome. Last evaluated: 2019-05-20. Review status: criteria provided, single submitter. Criteria: Ambry Variant Classification Scheme 2023. Collection method: clinical testing. Allele origin: germline.

CeGaT Center for Human Genetics Tuebingen
Classification: Uncertain significance. Last evaluated: 2017-08-01. Review status: criteria provided, single submitter. Criteria: CeGaT Center For Human Genetics Tuebingen Variant Classification Criteria Version 2. Collection method: clinical testing. Allele origin: germline. Affected: yes. Observed: 2 variant alleles.

NM_002528.7(NTHL1):c.607C>T (p.Leu203=)

Gene: NTHL1 (nth like DNA glycosylase 1; minus strand). Cytogenetic location: 16p13.3.
Variant type: single nucleotide variant.
Coding change: c.607C>T on transcript NM_002528.7 (MANE Select); coding-DNA position 607, C replaced by T.
Protein change: p.Leu203=; no amino-acid change (leucine 203 retained).
Molecular consequence: synonymous variant.
Genome position (GRCh38, 1-based): chr16:2,043,645, G>A on the plus strand (C>T on the coding strand, the complement: NTHL1 is on the minus strand). VCF-style: chr16-2043645-G-A. GRCh37 (hg19) VCF-style: chr16-2093646-G-A.
Other names: c.436C>T, p.Leu146= (NM_001318193.2); c.277C>T, p.Leu93= (NM_001318194.2).
Identifiers: ClinVar variation 757814 (VCV000757814.64), dbSNP rs369076851, ClinGen allele CA7828193.